The following is an entry in ClinVar:

ClinVar aggregate classification (germline): Pathogenic (1 of 4 stars; one submission).

Conditions:
Early-infantile DEE. Also called: Ohtahara syndrome; Early infantile epileptic encephalopathy with suppression bursts; Early infantile epileptic encephalopathy. Identifiers: Orphanet 1934, MedGen C0393706, MONDO:0800491.

Submission:

Labcorp Genetics (formerly Invitae), Labcorp
Classification: Pathogenic for Early-infantile DEE. Last evaluated: 2022-10-08. Review status: criteria provided, single submitter. Criteria: Invitae Variant Classification Sherloc (09022015). Collection method: clinical testing. Allele origin: germline.
Comment: For these reasons, this variant has been classified as Pathogenic. This premature translational stop signal has been observed in individual(s) with severe myoclonic epilepsy of infancy (PMID: 17054684). This variant is not present in population databases (gnomAD no frequency). This sequence change creates a premature translational stop signal (p.Tyr323*) in the SCN1A gene. It is expected to result in an absent or disrupted protein product. Loss-of-function variants in SCN1A are known to be pathogenic (PMID: 17347258, 18930999).

Literature cited by the submitters: PubMed 17054684; PubMed 17347258; PubMed 18930999.

NM_001165963.4(SCN1A):c.969T>G (p.Tyr323Ter)

Gene: SCN1A (sodium voltage-gated channel alpha subunit 1; minus strand). Cytogenetic location: 2q24.3.
Variant type: single nucleotide variant.
Coding change: c.969T>G on transcript NM_001165963.4 (MANE Select); coding-DNA position 969, T replaced by G.
Protein change: p.Tyr323Ter; replaces tyrosine 323 with a stop codon.
Molecular consequence: nonsense. On other transcripts: 5 prime UTR variant (1), non-coding transcript variant (1).
Genome position (GRCh38, 1-based): chr2:166,048,945, A>C on the plus strand (T>G on the coding strand, the complement: SCN1A is on the minus strand). VCF-style: chr2-166048945-A-C. GRCh37 (hg19) VCF-style: chr2-166905455-A-C.
Other names: c.969T>G, p.Tyr323Ter (NM_001165964.3, NM_001202435.3, NM_001353948.2 and 10 more transcripts); c.-1457T>G (NM_001353961.2); short protein forms Y323*.
Identifiers: ClinVar variation 2034800 (VCV002034800.4), dbSNP rs2468200459, ClinGen allele CA349071790.
Genomic context (GRCh38, chr2:166,048,945, plus strand): 5'-CCCTGCATCAGAGCTATTTCCACATAGTAGTGCATCTAAAAAACCCTCCAGGAAATAATG[A>C]TATCCTGTTTGAAAAAAGAAAGTCGTATGATGAACATTTGCATTGTTAAAAACACTCAAA-3'